The following is an entry in ClinVar:

ClinVar aggregate classification (germline): Benign/Likely benign. Review status: criteria provided, multiple submitters, no conflicts (2 of 4 stars). 5 submissions from 5 submitters: Benign (3); Likely benign (1). 1 of the submissions does not count toward it. Last evaluated 2026-02-02.

Conditions:
TRAF3IP1-related disorder. Also called: TRAF3IP1-related condition.

Allele frequency attached by ClinVar (database versions not stated): 1000 Genomes Project 30x 0.01827; 1000 Genomes Project 0.01937; gnomAD 0.02353 and 0.02380; TOPMed 0.02368; ExAC 0.02494; gnomAD exomes 0.02596 and 0.03503; ESP Exome Variant Server 0.02922.
gnomAD v4.1: 54,664 of 1,613,950 alleles (3.4%); highest among the groups gnomAD compares: Non-Finnish European, 3.9%; 1,053 homozygotes.

Submissions (5):

Labcorp Genetics (formerly Invitae), Labcorp
Classification: Benign. Last evaluated: 2026-02-02. Review status: criteria provided, single submitter. Criteria: Invitae Variant Classification Sherloc (09022015). Collection method: clinical testing. Allele origin: germline.

Blueprint Genetics
Classification: Likely benign. Last evaluated: 2024-11-26. Review status: criteria provided, single submitter. Criteria: ACMG Guidelines, 2015. Collection method: clinical testing. Allele origin: germline.

Mayo Clinic Laboratories, Mayo Clinic
Classification: Benign. Last evaluated: 2022-12-29. Review status: criteria provided, single submitter. Criteria: ACMG Guidelines, 2015. Collection method: clinical testing. Allele origin: germline. Observed: 8 variant alleles.
Comment: BS1, BS2, BP4

Breakthrough Genomics
Classification: Benign. Review status: criteria provided, single submitter. Criteria: ACMG Guidelines, 2015. Collection method: not provided. Allele origin: germline. Inheritance: Autosomal recessive inheritance. Affected: yes.

PreventionGenetics, part of Exact Sciences
Classification: Benign for TRAF3IP1-related condition. Last evaluated: 2019-09-26. Review status: no assertion criteria provided. Collection method: clinical testing. Allele origin: germline. Not counted in ClinVar's aggregate classification.
Comment: This variant is classified as benign based on ACMG/AMP sequence variant interpretation guidelines (Richards et al. 2015 PMID: 25741868, with internal and published modifications).

NM_015650.4(IFT54):c.416G>A (p.Arg139Gln)

Gene: IFT54 (intraflagellar transport 54; plus strand). Cytogenetic location: 2q37.3.
Variant type: single nucleotide variant.
Coding change: c.416G>A on transcript NM_015650.4 (MANE Select); coding-DNA position 416, G replaced by A.
Protein change: p.Arg139Gln; replaces arginine 139 with glutamine.
Molecular consequence: missense variant.
Genome position (GRCh38, 1-based): chr2:238,328,747, G>A. VCF-style: chr2-238328747-G-A. GRCh37 (hg19) VCF-style: chr2-239237388-G-A.
Other names: p.Arg139Gln; c.416G>A (NM_015650.3); c.416G>A, p.Arg139Gln (NM_001139490.1); short protein forms R139Q.
Identifiers: ClinVar variation 1167927 (VCV001167927.14), dbSNP rs61742338, ClinGen allele CA2198055.
Genomic context (GRCh38, chr2:238,328,747, plus strand): 5'-TCTCTAGTGACGATGCGGTGCGGAGGGTTTTAGCTGGAGAGAAGGGAGAAGTGAAAGGCC[G>A]GGCCTCACTGACCTCAAGATCTCAGGAATTGGATAATAAGAATGTGCGAGAAGAAGAGTC-3'
Protein context (NP_056465.2, residues 129-149): LAGEKGEVKG[Arg139Gln]ASLTSRSQEL